The following is an entry in ClinVar:

NM_001258392.3(CLPB):c.776-10C>G

Gene: CLPB (ClpB family mitochondrial disaggregase; minus strand). Cytogenetic location: 11q13.4.
Variant type: single nucleotide variant.
Coding change: c.776-10C>G on transcript NM_001258392.3 (MANE Select); 10 bases into the intron before coding-DNA position 776, C replaced by G.
Molecular consequence: intron variant.
Genome position (GRCh38, 1-based): chr11:72,329,814, G>C on the plus strand (C>G on the coding strand, the complement: CLPB is on the minus strand). VCF-style: chr11-72329814-G-C. GRCh37 (hg19) VCF-style: chr11-72040858-G-C.
Other names: c.689-10C>G (NM_001258393.3); c.866-10C>G (NM_030813.6); c.731-10C>G (NM_001258394.3).
Identifiers: ClinVar variation 384988 (VCV000384988.12), dbSNP rs141271919, ClinGen allele CA6171381.

ClinVar aggregate classification (germline): Benign/Likely benign. Review status: criteria provided, multiple submitters, no conflicts (2 of 4 stars). 4 submissions from 4 submitters: Benign (1); Likely benign (2). 1 of the submissions does not count toward it. Last evaluated 2026-01-23.

Conditions:
CLPB-related disorder. Also called: CLPB-related condition.
3-methylglutaconic aciduria, type VIIB (MGCA7B). Also called: CLPB Deficiency; 3-methylglutaconic aciduria with cataracts, neurologic involvement and neutropenia; 3-methylglutaconic aciduria, type VII, with cataracts, neurologic involvement and neutropenia. Identifiers: Orphanet 445038, MedGen C5676893, MONDO:0014561, OMIM 616271.

Allele frequency attached by ClinVar (database versions not stated): gnomAD 0.00010; TOPMed 0.00029; ExAC 0.00032; 1000 Genomes Project 0.00100.
gnomAD v4.1: 309 of 1,605,626 alleles (0.019%); highest among the groups gnomAD compares: East Asian, 0.57%; 3 homozygotes.

Submissions (4):

Labcorp Genetics (formerly Invitae), Labcorp
Classification: Benign for 3-methylglutaconic aciduria, type VIIB. Last evaluated: 2026-01-23. Review status: criteria provided, single submitter. Criteria: Invitae Variant Classification Sherloc (09022015). Collection method: clinical testing. Allele origin: germline.

Blueprint Genetics
Classification: Likely benign. Last evaluated: 2024-11-26. Review status: criteria provided, single submitter. Criteria: ACMG Guidelines, 2015. Collection method: clinical testing. Allele origin: germline.

GeneDx
Classification: Likely benign. Last evaluated: 2016-04-07. Review status: criteria provided, single submitter. Criteria: GeneDx Variant Classification (06012015). Collection method: clinical testing. Allele origin: germline. Affected: yes.
Comment: This variant is considered likely benign or benign based on one or more of the following criteria: it is a conservative change, it occurs at a poorly conserved position in the protein, it is predicted to be benign by multiple in silico algorithms, and/or has population frequency not consistent with disease.

PreventionGenetics, part of Exact Sciences
Classification: Likely benign for CLPB-related condition. Last evaluated: 2019-08-15. Review status: no assertion criteria provided. Collection method: clinical testing. Allele origin: germline. Not counted in ClinVar's aggregate classification.
Comment: This variant is classified as likely benign based on ACMG/AMP sequence variant interpretation guidelines (Richards et al. 2015 PMID: 25741868, with internal and published modifications).